The following is an entry in ClinVar:

NM_177924.5(ASAH1):c.209C>T (p.Ala70Val)

Gene: ASAH1 (N-acylsphingosine amidohydrolase 1; minus strand). Cytogenetic location: 8p22.
Variant type: single nucleotide variant.
Coding change: c.209C>T on transcript NM_177924.5 (MANE Select); coding-DNA position 209, C replaced by T.
Protein change: p.Ala70Val; replaces alanine 70 with valine.
Molecular consequence: missense variant.
Genome position (GRCh38, 1-based): chr8:18,071,307, G>A on the plus strand (C>T on the coding strand, the complement: ASAH1 is on the minus strand). VCF-style: chr8-18071307-G-A. GRCh37 (hg19) VCF-style: chr8-17928816-G-A.
Other names: c.278C>T, p.Ala93Val (NM_001127505.3); c.14C>T, p.Ala5Val (NM_001363743.2); c.257C>T, p.Ala86Val (NM_004315.6); short protein forms A93V, A5V, A70V, A86V.
Identifiers: ClinVar variation 2097743 (VCV002097743.4), dbSNP rs2537962467, ClinGen allele CA370433885.

ClinVar aggregate classification (germline): Uncertain significance (1 of 4 stars; one submission).

Submission:

Labcorp Genetics (formerly Invitae), Labcorp
Classification: Uncertain significance. Last evaluated: 2022-02-15. Review status: criteria provided, single submitter. Criteria: Invitae Variant Classification Sherloc (09022015). Collection method: clinical testing. Allele origin: germline.
Comment: Algorithms developed to predict the effect of sequence changes on RNA splicing suggest that this variant may create or strengthen a splice site. In summary, the available evidence is currently insufficient to determine the role of this variant in disease. Therefore, it has been classified as a Variant of Uncertain Significance. This variant has not been reported in the literature in individuals affected with ASAH1-related conditions. This variant is not present in population databases (gnomAD no frequency). Algorithms developed to predict the effect of missense changes on protein structure and function (SIFT, PolyPhen-2, Align-GVGD) all suggest that this variant is likely to be tolerated. This sequence change replaces alanine, which is neutral and non-polar, with valine, which is neutral and non-polar, at codon 70 of the ASAH1 protein (p.Ala70Val).